The following is an entry in ClinVar:

ClinVar aggregate classification (germline): Uncertain significance. Review status: criteria provided, multiple submitters, no conflicts (2 of 4 stars). 5 submissions from 5 submitters: Uncertain significance (4). 1 of the submissions does not count toward it. Last evaluated 2025-08-22.

Conditions:
Inborn genetic diseases. Identifiers: MedGen C0950123, MeSH D030342.
Fanconi anemia (FA). Also called: Fanconi's anemia. Identifiers: Orphanet 84, MedGen C0015625, MeSH D005199, MONDO:0019391.
FANCM-related disorder. Also called: FANCM-related condition.

gnomAD v4.1: 5 of 1,613,978 alleles (0.00031%); highest among the groups gnomAD compares: South Asian, 0.0044%; no homozygotes.

Submissions (5):

Quest Diagnostics Nichols Institute San Juan Capistrano
Classification: Uncertain significance. Last evaluated: 2025-08-22. Review status: criteria provided, single submitter. Criteria: Quest Diagnostics criteria. Collection method: clinical testing. Allele origin: unknown.
Comment: The FANCM c.5290A>G (p.Thr1764Ala) variant has not been reported in individuals with FANCM-related conditions in the published literature. The frequency of this variant in the general population (Genome Aggregation Database) is uninformative in the assessment of its pathogenicity. Analysis of this variant using bioinformatics tools for the prediction of the effect of amino acid changes on protein structure and function yielded predictions that this variant is benign. Based on the available information, we are unable to determine the clinical significance of this variant.

Ambry Genetics
Classification: Uncertain significance for Inborn genetic diseases. Last evaluated: 2025-02-16. Review status: criteria provided, single submitter. Criteria: Ambry Variant Classification Scheme 2023. Collection method: clinical testing. Allele origin: germline.
Comment: The p.T1764A variant (also known as c.5290A>G), located in coding exon 20 of the FANCM gene, results from an A to G substitution at nucleotide position 5290. The threonine at codon 1764 is replaced by alanine, an amino acid with similar properties. This amino acid position is conserved. In addition, this alteration is predicted to be tolerated by in silico analysis. Based on the available evidence, the clinical significance of this variant remains unclear.

GeneDx
Classification: Uncertain significance. Last evaluated: 2023-11-27. Review status: criteria provided, single submitter. Criteria: GeneDx Variant Classification Process June 2021. Collection method: clinical testing. Allele origin: germline.
Comment: Not observed at significant frequency in large population cohorts (gnomAD); In silico analysis supports that this missense variant does not alter protein structure/function; Has not been previously published as pathogenic or benign to our knowledge

Labcorp Genetics (formerly Invitae), Labcorp
Classification: Uncertain significance for Fanconi anemia. Last evaluated: 2021-04-10. Review status: criteria provided, single submitter. Criteria: Invitae Variant Classification Sherloc (09022015). Collection method: clinical testing. Allele origin: germline.
Comment: This variant has not been reported in the literature in individuals with FANCM-related conditions. Algorithms developed to predict the effect of missense changes on protein structure and function output the following: SIFT: "Tolerated"; PolyPhen-2: "Benign"; Align-GVGD: "Class C0". The alanine amino acid residue is found in multiple mammalian species, suggesting that this missense change does not adversely affect protein function. These predictions have not been confirmed by published functional studies and their clinical significance is uncertain. This sequence change replaces threonine with alanine at codon 1764 of the FANCM protein (p.Thr1764Ala). The threonine residue is weakly conserved and there is a small physicochemical difference between threonine and alanine. This variant is present in population databases (rs776417170, ExAC 0.006%). In summary, the available evidence is currently insufficient to determine the role of this variant in disease. Therefore, it has been classified as a Variant of Uncertain Significance.

PreventionGenetics, part of Exact Sciences
Classification: Uncertain significance for FANCM-related condition. Last evaluated: 2024-05-29. Review status: no assertion criteria provided. Collection method: clinical testing. Allele origin: germline. Not counted in ClinVar's aggregate classification.
Comment: The FANCM c.5290A>G variant is predicted to result in the amino acid substitution p.Thr1764Ala. To our knowledge, this variant has not been reported in the literature. This variant is reported in 0.0065% of alleles in individuals of South Asian descent in gnomAD. At this time, the clinical significance of this variant is uncertain due to the absence of conclusive functional and genetic evidence.

NM_020937.4(FANCM):c.5290A>G (p.Thr1764Ala)

Gene: FANCM (FA complementation group M; plus strand). Cytogenetic location: 14q21.2.
Variant type: single nucleotide variant.
Coding change: c.5290A>G on transcript NM_020937.4 (MANE Select); coding-DNA position 5290, A replaced by G.
Protein change: p.Thr1764Ala; replaces threonine 1764 with alanine.
Molecular consequence: missense variant.
Genome position (GRCh38, 1-based): chr14:45,189,312, A>G. VCF-style: chr14-45189312-A-G. GRCh37 (hg19) VCF-style: chr14-45658515-A-G.
Other names: c.5290A>G (NM_020937.2, NM_020937.3); c.5212A>G, p.Thr1738Ala (NM_001308133.2); short protein forms T1738A, T1764A.
Identifiers: ClinVar variation 1409110 (VCV001409110.12), dbSNP rs776417170, ClinGen allele CA7169956.